The following is an entry in ClinVar:

ClinVar aggregate classification (germline): Likely benign. Review status: criteria provided, multiple submitters, no conflicts (2 of 4 stars). 3 submissions from 3 submitters: Likely benign (3). Last evaluated 2025-09-11.

Conditions:
Cardiovascular phenotype. Identifiers: MedGen CN230736.
Cardiomyopathy (CMYO). Also called: Cardiomyopathies. Identifiers: Orphanet 167848, MedGen C0878544, MONDO:0004994, HP:0001638. Inheritance: Various modes of inheritance.

Allele frequency attached by ClinVar (database versions not stated): ExAC 0.00001.
gnomAD v4.1: 26 of 1,612,940 alleles (0.0016%); highest among the groups gnomAD compares: Non-Finnish European, 0.0021%; no homozygotes.

Submissions (3):

Mayo Clinic Laboratories, Mayo Clinic
Classification: Likely benign. Last evaluated: 2025-09-11. Review status: criteria provided, single submitter. Criteria: ACMG Guidelines, 2015. Collection method: clinical testing. Allele origin: germline. Observed: 1 variant allele.
Comment: BP4, BP7, PM2_supporting

CHEO Genetics Diagnostic Laboratory, Children's Hospital of Eastern Ontario
Classification: Likely benign for Cardiomyopathy. Last evaluated: 2022-11-16. Review status: criteria provided, single submitter. Criteria: ACMG Guidelines, 2015. Collection method: clinical testing. Allele origin: germline.

Ambry Genetics
Classification: Likely benign for Cardiovascular phenotype. Last evaluated: 2019-10-20. Review status: criteria provided, single submitter. Criteria: Ambry Variant Classification Scheme 2023. Collection method: clinical testing. Allele origin: germline.

NM_001267550.2(TTN):c.44355C>T (p.Cys14785=)

Gene: TTN (titin; minus strand). Cytogenetic location: 2q31.2.
Variant type: single nucleotide variant.
Coding change: c.44355C>T on transcript NM_001267550.2 (MANE Select); coding-DNA position 44355, C replaced by T.
Protein change: p.Cys14785=; no amino-acid change (cysteine 14785 retained).
Molecular consequence: synonymous variant.
Genome position (GRCh38, 1-based): chr2:178,629,370, G>A on the plus strand (C>T on the coding strand, the complement: TTN is on the minus strand). VCF-style: chr2-178629370-G-A. GRCh37 (hg19) VCF-style: chr2-179494097-G-A.
Other names: p.Cys13144=; c.39432C>T, p.Cys13144= (NM_001256850.1); c.17160C>T, p.Cys5720= (NM_003319.4); c.36651C>T, p.Cys12217= (NM_133378.4); c.17535C>T, p.Cys5845= (NM_133432.3); c.17736C>T, p.Cys5912= (NM_133437.4).
Identifiers: ClinVar variation 1778625 (VCV001778625.4), dbSNP rs754335854, ClinGen allele CA1995669.